The following is an entry in ClinVar:

ClinVar aggregate classification (germline): Benign/Likely benign. Review status: criteria provided, multiple submitters, no conflicts (2 of 4 stars). 5 submissions from 5 submitters: Benign (1); Likely benign (3). 1 of the submissions does not count toward it. Last evaluated 2026-01-17.

Conditions:
MRTFA-related disorder. Also called: MRTFA-related condition.

Allele frequency attached by ClinVar (database versions not stated): 1000 Genomes Project 30x 0.00062; 1000 Genomes Project 0.00080; TOPMed 0.00088; gnomAD exomes 0.00123 and 0.00137; gnomAD 0.00137 and 0.00140; ESP Exome Variant Server 0.00138; ExAC 0.00165.
gnomAD v4.1: 1,978 of 1,582,260 alleles (0.13%); highest among the groups gnomAD compares: East Asian, 0.45%; 2 homozygotes.

Submissions (5):

Labcorp Genetics (formerly Invitae), Labcorp
Classification: Benign. Last evaluated: 2026-01-17. Review status: criteria provided, single submitter. Criteria: Invitae Variant Classification Sherloc (09022015). Collection method: clinical testing. Allele origin: germline.

CeGaT Center for Human Genetics Tuebingen
Classification: Likely benign. Last evaluated: 2024-12-01. Review status: criteria provided, single submitter. Criteria: CeGaT Center For Human Genetics Tuebingen Variant Classification Criteria Version 2. Collection method: clinical testing. Allele origin: germline. Affected: yes. Observed: 2 variant alleles.
Comment: MRTFA: BP4, BP7

Blueprint Genetics
Classification: Likely benign. Last evaluated: 2024-11-28. Review status: criteria provided, single submitter. Criteria: ACMG Guidelines, 2015. Collection method: clinical testing. Allele origin: germline.

Genetic Services Laboratory, University of Chicago
Classification: Likely benign. Last evaluated: 2021-05-25. Review status: criteria provided, single submitter. Criteria: ACMG Guidelines, 2015. Collection method: clinical testing. Allele origin: germline. Affected: no.

PreventionGenetics, part of Exact Sciences
Classification: Likely benign for MRTFA-related condition. Last evaluated: 2019-03-27. Review status: no assertion criteria provided. Collection method: clinical testing. Allele origin: germline. Not counted in ClinVar's aggregate classification.
Comment: This variant is classified as likely benign based on ACMG/AMP sequence variant interpretation guidelines (Richards et al. 2015 PMID: 25741868, with internal and published modifications).

NM_020831.6(MRTFA):c.3054C>T (p.Leu1018=)

Gene: MRTFA (myocardin related transcription factor A; minus strand). Cytogenetic location: 22q13.1.
Variant type: single nucleotide variant.
Coding change: c.3054C>T on transcript NM_020831.6 (MANE Select); coding-DNA position 3054, C replaced by T.
Protein change: p.Leu1018=; no amino-acid change (leucine 1018 retained).
Molecular consequence: synonymous variant. On other transcripts: 3 prime UTR variant (1).
Genome position (GRCh38, 1-based): chr22:40,411,432, G>A on the plus strand (C>T on the coding strand, the complement: MRTFA is on the minus strand). VCF-style: chr22-40411432-G-A. GRCh37 (hg19) VCF-style: chr22-40807436-G-A.
Other names: c.2754C>T, p.Leu918= (NM_001282660.2); c.2904C>T, p.Leu968= (NM_001282661.3); c.*367C>T (NM_001282662.3); c.2859C>T, p.Leu953= (NM_001318139.2).
Identifiers: ClinVar variation 720853 (VCV000720853.28), dbSNP rs148865274, ClinGen allele CA10249163.
Genomic context (GRCh38, chr22:40,411,432, plus strand): 5'-CCGTCTTGAGCCAGAGAGCTACAAGCAGGAATCCCAGTGCAGCTGCAAATCATGGCCATC[G>A]AGGAAGTCTGTGGAGAAGAGGCTGGGGGCTGTGGTGCTGAGGGGGGCTAGGCTCAGCACG-3'
Protein context (NP_065882.2, residues 1008-1028): TAPSLFSTDF[Leu1018=]DGHDLQLHWD